The following is an entry in ClinVar:

ClinVar aggregate classification (germline): Uncertain significance (1 of 4 stars; one submission).

Conditions:
Charcot-Marie-Tooth disease axonal type 2P. Also called: CHARCOT-MARIE-TOOTH NEUROPATHY, TYPE 2P; Charcot-Marie-Tooth Neuropathy Type 2G; CHARCOT-MARIE-TOOTH DISEASE, AXONAL, TYPE 2G; CMT 2G. Identifiers: Orphanet 300319, Orphanet 99941, MedGen C3280797, MONDO:0013753, OMIM 614436.

gnomAD v4.1: 3 of 1,614,162 alleles (0.00019%); highest among the groups gnomAD compares: Non-Finnish European, 0.00025%; no homozygotes.

Submission:

Labcorp Genetics (formerly Invitae), Labcorp
Classification: Uncertain significance for Charcot-Marie-Tooth disease axonal type 2P. Last evaluated: 2025-04-13. Review status: criteria provided, single submitter. Criteria: Invitae Variant Classification Sherloc (09022015). Collection method: clinical testing. Allele origin: germline.
Comment: This sequence change replaces glutamic acid, which is acidic and polar, with lysine, which is basic and polar, at codon 13 of the LRSAM1 protein (p.Glu13Lys). This variant is not present in population databases (gnomAD no frequency). This variant has not been reported in the literature in individuals affected with LRSAM1-related conditions. Invitae Evidence Modeling of protein sequence and biophysical properties (such as structural, functional, and spatial information, amino acid conservation, physicochemical variation, residue mobility, and thermodynamic stability) indicates that this missense variant is not expected to disrupt LRSAM1 protein function with a negative predictive value of 80%. In summary, the available evidence is currently insufficient to determine the role of this variant in disease. Therefore, it has been classified as a Variant of Uncertain Significance.

NM_001005373.4(LRSAM1):c.37G>A (p.Glu13Lys)

Gene: LRSAM1 (leucine rich repeat and sterile alpha motif containing 1; plus strand). Cytogenetic location: 9q33.3.
Variant type: single nucleotide variant.
Coding change: c.37G>A on transcript NM_001005373.4 (MANE Select); coding-DNA position 37, G replaced by A.
Protein change: p.Glu13Lys; replaces glutamic acid 13 with lysine.
Molecular consequence: missense variant. On other transcripts: 5 prime UTR variant (1), non-coding transcript variant (2).
Genome position (GRCh38, 1-based): chr9:127,454,564, G>A. VCF-style: chr9-127454564-G-A. GRCh37 (hg19) VCF-style: chr9-130216843-G-A.
Other names: c.37G>A, p.Glu13Lys (NM_001005374.4, NM_001190723.3, NM_001384142.1 and 2 more transcripts); c.-748G>A (NM_001384144.1); short protein forms E13K.
Identifiers: ClinVar variation 4798021 (VCV004798021.1).
Genomic context (GRCh38, chr9:127,454,564, plus strand): 5'-AGATCGCTCTGGGAAAAGGGAAGGATGCCGCTCTTCTTCCGGAAGCGGAAACCCAGTGAG[G>A]AGGCTCGGAAACGCCTGGAGTACCAGATGTGTTTGGTGAGGGAAAGTGGGTTTCCTCTAA-3'
Protein context (NP_001005373.1, residues 3-23): LFFRKRKPSE[Glu13Lys]ARKRLEYQMC